The following is an entry in ClinVar:

NM_001089.3(ABCA3):c.873G>A (p.Lys291=)

Gene: ABCA3 (ATP binding cassette subfamily A member 3; minus strand). Cytogenetic location: 16p13.3.
Variant type: single nucleotide variant.
Coding change: c.873G>A on transcript NM_001089.3 (MANE Select); coding-DNA position 873, G replaced by A.
Protein change: p.Lys291=; no amino-acid change (lysine 291 retained).
Molecular consequence: synonymous variant.
Genome position (GRCh38, 1-based): chr16:2,319,581, C>T on the plus strand (G>A on the coding strand, the complement: ABCA3 is on the minus strand). VCF-style: chr16-2319581-C-T. GRCh37 (hg19) VCF-style: chr16-2369582-C-T.
Identifiers: ClinVar variation 1764504 (VCV001764504.3), dbSNP rs2093722396, ClinGen allele CA493167492.

ClinVar aggregate classification (germline): Likely pathogenic (1 of 4 stars; one submission).

Conditions:
Hereditary pulmonary alveolar proteinosis. Also called: Pulmonary surfactant metabolism dysfunction. Identifiers: Orphanet 264675, MedGen C3711368, MONDO:0012580.

Allele frequency attached by ClinVar (database versions not stated): gnomAD 0.00001.
gnomAD v4.1: 1 of 1,611,096 alleles (0.000062%); highest among the groups gnomAD compares: African/African-American, 0.0013%; no homozygotes.

Submission:

Ambry Genetics
Classification: Likely pathogenic for Hereditary pulmonary alveolar proteinosis. Last evaluated: 2026-07-28. Review status: criteria provided, single submitter. Criteria: Ambry Variant Classification Scheme 2023. Collection method: clinical testing. Allele origin: germline.
Comment: The c.873G>A variant (also known as p.K291K), located in coding exon 5 of the ABCA3 gene, results from a G to A substitution at nucleotide position 873. This nucleotide substitution does not change the lysine at codon 291. However, this change occurs in the last base pair of coding exon 5, which makes it likely to have some effect on normal mRNA splicing. This variant has been identified in the homozygous state and/or in conjunction with other ABCA3 variant(s) in individual(s) with features consistent with ABCA3-related pulmonary surfactant metabolism dysfunction; in at least one instance, the variants were identified in trans (Zhang W et al. BMC Med Genomics, 2021 Oct;14:256). This nucleotide position is highly conserved in available vertebrate species. In silico splice site analysis predicts that this alteration will weaken the native splice donor site. This variant is considered to be rare based on population cohorts in the Genome Aggregation Database (gnomAD). Based on the majority of available evidence to date, this variant is likely to be pathogenic.

Literature cited by the submitters: PubMed 34715861.